The following is an entry in ClinVar:

ClinVar aggregate classification (germline): Pathogenic. Review status: criteria provided, multiple submitters, no conflicts (2 of 4 stars). 4 submissions from 4 submitters: Pathogenic (2). 2 of the submissions do not count toward it. Last evaluated 2022-01-03.

Conditions:
Amelogenesis imperfecta hypomaturation type 2A3. Also called: Amelogenesis imperfecta, type IIA3. Identifiers: Orphanet 88661, MedGen C2750771, MONDO:0013181, OMIM 613211. Disease mechanism: loss of function.

gnomAD v4.1: 4 of 1,613,482 alleles (0.00025%); highest among the groups gnomAD compares: South Asian, 0.0044%; no homozygotes.

Submissions (4):

3billion
Classification: Pathogenic for Amelogenesis imperfecta hypomaturation type 2A3. Last evaluated: 2022-01-03. Review status: criteria provided, single submitter. Criteria: ACMG Guidelines, 2015. Collection method: clinical testing. Allele origin: germline. Affected: yes. Observed: 1 homozygote.
Comment: Stop-gained (nonsense): predicted to result in a loss or disruption of normal protein function through nonsense-mediated decay (NMD) or protein truncation. Multiple pathogenic variants are reported downstream of the variant (PVS1_VS).The variant has been reported to be associated with WDR72 related disorder (ClinVar ID: VCV000000232, PMID:19853237). It is observed at an extremely low frequency in the gnomAD v2.1.1 dataset (total allele frequency: 0.000008, PM2_M). Therefore, this variant is classified as pathogenic according to the recommendation of ACMG/AMP guideline.

GeneDx
Classification: Pathogenic. Last evaluated: 2016-12-15. Review status: criteria provided, single submitter. Criteria: GeneDx Variant Classification (06012015). Collection method: clinical testing. Allele origin: germline. Affected: yes.
Comment: The W978X variant in the WDR72 gene has been reported previously in the homozygous state in an individual with hypomaturation amelogenesis imperfecta (El-Sayed et al., 2009). This variant is predicted to cause loss of normal protein function either through protein truncation or nonsense-mediated mRNA decay. The W978X variant was not observed in approximately 6,500 individuals of European and African American ancestry in the NHLBI Exome Sequencing Project, indicating it is not a common benign variant in these populations. We interpret W978X as a pathogenic variant.

Department of Genetics, Sultan Qaboos University Hospital
Classification: Pathogenic for Amelogenesis imperfecta hypomaturation type 2A3. Last evaluated: 2017-12-30. Review status: no assertion criteria provided. Collection method: curation. Allele origin: unknown. Affected: yes. Not counted in ClinVar's aggregate classification.

OMIM
Classification: Pathogenic for AMELOGENESIS IMPERFECTA, HYPOMATURATION TYPE, IIA3. Last evaluated: 2009-11-01. Review status: no assertion criteria provided. Collection method: literature only. Allele origin: germline. Not counted in ClinVar's aggregate classification.

Literature cited by the submitters: PubMed 19853237 (cited by 3 submitters).

NM_182758.4(WDR72):c.2934G>A (p.Trp978Ter)

Gene: WDR72 (WD repeat domain 72; minus strand). Cytogenetic location: 15q21.3.
Variant type: single nucleotide variant.
Coding change: c.2934G>A on transcript NM_182758.4 (MANE Select); coding-DNA position 2934, G replaced by A.
Protein change: p.Trp978Ter; replaces tryptophan 978 with a stop codon.
Molecular consequence: nonsense. On other transcripts: non-coding transcript variant (1).
Genome position (GRCh38, 1-based): chr15:53,609,531, C>T on the plus strand (G>A on the coding strand, the complement: WDR72 is on the minus strand). VCF-style: chr15-53609531-C-T. GRCh37 (hg19) VCF-style: chr15-53901728-C-T.
Other names: short protein forms W978*.
Identifiers: ClinVar variation 232 (VCV000000232.4), dbSNP rs143816093, ClinGen allele CA114065.